The following is an entry in ClinVar:

ClinVar aggregate classification (germline): Uncertain significance (1 of 4 stars; one submission).

Allele frequency attached by ClinVar (database versions not stated): gnomAD 0.00003; gnomAD exomes 0.00001; TOPMed 0.00003.
gnomAD v4.1: 24 of 1,613,974 alleles (0.0015%); highest among the groups gnomAD compares: Non-Finnish European, 0.0019%; no homozygotes.

Submission:

Labcorp Genetics (formerly Invitae), Labcorp
Classification: Uncertain significance. Last evaluated: 2025-10-02. Review status: criteria provided, single submitter. Criteria: Invitae Variant Classification Sherloc (09022015). Collection method: clinical testing. Allele origin: germline.
Comment: This sequence change replaces glycine, which is neutral and non-polar, with serine, which is neutral and polar, at codon 958 of the POLR1A protein (p.Gly958Ser). This variant is present in population databases (no rsID available, gnomAD 0.004%). This variant has not been reported in the literature in individuals affected with POLR1A-related conditions. ClinVar contains an entry for this variant (Variation ID: 3022942). Invitae Evidence Modeling of protein sequence and biophysical properties (such as structural, functional, and spatial information, amino acid conservation, physicochemical variation, residue mobility, and thermodynamic stability) indicates that this missense variant is expected to disrupt POLR1A protein function with a positive predictive value of 80%. In summary, the available evidence is currently insufficient to determine the role of this variant in disease. Therefore, it has been classified as a Variant of Uncertain Significance.

NM_015425.6(POLR1A):c.2872G>A (p.Gly958Ser)

Genes: POLR1A (RNA polymerase I subunit A; minus strand), LOC126806263 (BRD4-independent group 4 enhancer GRCh37_chr2:86272354-86273553; plus strand). Cytogenetic location: 2p11.2.
Variant type: single nucleotide variant.
Coding change: c.2872G>A on transcript NM_015425.6 (MANE Select); coding-DNA position 2872, G replaced by A.
Protein change: p.Gly958Ser; replaces glycine 958 with serine.
Molecular consequence: missense variant.
Genome position (GRCh38, 1-based): chr2:86,045,631, C>T on the plus strand (G>A on the coding strand, the complement: POLR1A is on the minus strand). VCF-style: chr2-86045631-C-T. GRCh37 (hg19) VCF-style: chr2-86272754-C-T.
Other names: short protein forms G958S.
Identifiers: ClinVar variation 3022942 (VCV003022942.3), dbSNP rs1039959427, ClinGen allele CA51334183.